The following is an entry in ClinVar:

ClinVar aggregate classification (germline): Uncertain significance. Review status: criteria provided, multiple submitters, no conflicts (2 of 4 stars). 3 submissions from 3 submitters: Uncertain significance (2). 1 of the submissions does not count toward it. Last evaluated 2024-07-11.

Conditions:
Prostate cancer. Also called: Malignant tumor of prostate. Identifiers: Orphanet 1331, MedGen C0376358, MONDO:0008315, HP:0012125.

Allele frequency attached by ClinVar (database versions not stated): ExAC 0.00001; gnomAD 0.00001; TOPMed 0.00002.
gnomAD v4.1: 32 of 1,614,042 alleles (0.002%); highest among the groups gnomAD compares: South Asian, 0.0055%; no homozygotes.

Submissions (3):

Blueprint Genetics
Classification: Uncertain significance. Last evaluated: 2024-07-11. Review status: criteria provided, single submitter. Criteria: ACMG Guidelines, 2015. Collection method: clinical testing. Allele origin: germline.

Labcorp Genetics (formerly Invitae), Labcorp
Classification: Uncertain significance. Last evaluated: 2022-02-24. Review status: criteria provided, single submitter. Criteria: Invitae Variant Classification Sherloc (09022015). Collection method: clinical testing. Allele origin: germline.
Comment: This sequence change replaces arginine, which is basic and polar, with histidine, which is basic and polar, at codon 478 of the CNGA1 protein (p.Arg478His). This variant is present in population databases (rs759487836, gnomAD 0.006%). This variant has not been reported in the literature in individuals affected with CNGA1-related conditions. ClinVar contains an entry for this variant (Variation ID: 219316). Algorithms developed to predict the effect of missense changes on protein structure and function (SIFT, PolyPhen-2, Align-GVGD) all suggest that this variant is likely to be disruptive. In summary, the available evidence is currently insufficient to determine the role of this variant in disease. Therefore, it has been classified as a Variant of Uncertain Significance.

Prostate Cancer Research Center, Institute of Biosciences and Medical Technology, University of Tampere
Classification: Uncertain significance for Prostate cancer. Review status: no assertion criteria provided. Collection method: research. Allele origin: somatic. Affected: yes. Observed: 1 variant allele. Not counted in ClinVar's aggregate classification.

NM_001379270.1(CNGA1):c.1421G>A (p.Arg474His)

Genes: CNGA1 (cyclic nucleotide gated channel subunit alpha 1; minus strand), LOC101927157 (uncharacterized LOC101927157; plus strand). Cytogenetic location: 4p12.
Variant type: single nucleotide variant.
Coding change: c.1421G>A on transcript NM_001379270.1 (MANE Select); coding-DNA position 1421, G replaced by A.
Protein change: p.Arg474His; replaces arginine 474 with histidine.
Molecular consequence: missense variant.
Genome position (GRCh38, 1-based): chr4:47,937,061, C>T on the plus strand (G>A on the coding strand, the complement: CNGA1 is on the minus strand). VCF-style: chr4-47937061-C-T. GRCh37 (hg19) VCF-style: chr4-47939078-C-T.
Other names: c.1421G>A, p.Arg474His (NM_000087.5, NM_001142564.2); short protein forms R474H.
Identifiers: ClinVar variation 219316 (VCV000219316.11), dbSNP rs759487836, ClinGen allele CA349312.